The following is an entry in ClinVar:

ClinVar aggregate classification (germline): Uncertain significance (1 of 4 stars; one submission).

Conditions:
Mosaic variegated aneuploidy syndrome 1 (MVA1). Also called: Warburton-Anyane-Yeboa syndrome. Identifiers: Orphanet 1052, MedGen C1850343, MONDO:0009759, OMIM 257300.

Submission:

Labcorp Genetics (formerly Invitae), Labcorp
Classification: Uncertain significance for Mosaic variegated aneuploidy syndrome 1. Last evaluated: 2023-11-10. Review status: criteria provided, single submitter. Criteria: Invitae Variant Classification Sherloc (09022015). Collection method: clinical testing. Allele origin: germline.
Comment: This sequence change replaces arginine, which is basic and polar, with lysine, which is basic and polar, at codon 271 of the BUB1B protein (p.Arg271Lys). This variant is not present in population databases (gnomAD no frequency). This variant has not been reported in the literature in individuals affected with BUB1B-related conditions. Algorithms developed to predict the effect of missense changes on protein structure and function output the following: SIFT: "Not Available"; PolyPhen-2: "Benign"; Align-GVGD: "Not Available". The lysine amino acid residue is found in multiple mammalian species, which suggests that this missense change does not adversely affect protein function. In summary, the available evidence is currently insufficient to determine the role of this variant in disease. Therefore, it has been classified as a Variant of Uncertain Significance.

NM_001211.6(BUB1B):c.812G>A (p.Arg271Lys)

Gene: BUB1B (BUB1 mitotic checkpoint serine/threonine kinase B; plus strand). Cytogenetic location: 15q15.1.
Variant type: single nucleotide variant.
Coding change: c.812G>A on transcript NM_001211.6 (MANE Select); coding-DNA position 812, G replaced by A.
Protein change: p.Arg271Lys; replaces arginine 271 with lysine.
Molecular consequence: missense variant.
Genome position (GRCh38, 1-based): chr15:40,185,225, G>A. VCF-style: chr15-40185225-G-A. GRCh37 (hg19) VCF-style: chr15-40477426-G-A.
Other names: short protein forms R271K.
Identifiers: ClinVar variation 2693387 (VCV002693387.3), dbSNP rs2542535396, ClinGen allele CA391684117.